The following is an entry in ClinVar:

ClinVar aggregate classification (germline): Benign (0 of 4 stars; one submission).

Conditions:
KCNQ1-related disorder. Also called: KCNQ1-related condition; KCNQ1-related disorders. Identifiers: MedGen CN239322.

Allele frequency attached by ClinVar (database versions not stated): gnomAD exomes 0.07568; 1000 Genomes Project 0.08606; gnomAD 0.08886; 1000 Genomes Project 30x 0.08979; TOPMed 0.09122.
gnomAD v4.1: 35,270 of 438,848 alleles (8%); highest among the groups gnomAD compares: Middle Eastern, 15%; 1,680 homozygotes.

Submission:

PreventionGenetics, part of Exact Sciences
Classification: Benign for KCNQ1-related condition. Last evaluated: 2019-05-21. Review status: no assertion criteria provided. Collection method: clinical testing. Allele origin: germline.
Comment: This variant is classified as benign based on ACMG/AMP sequence variant interpretation guidelines (Richards et al. 2015 PMID: 25741868, with internal and published modifications).

NM_000218.3(KCNQ1):c.1394-515G>A

Genes: KCNQ1 (potassium voltage-gated channel subfamily Q member 1; plus strand), KCNQ1OT1 (KCNQ1 opposite strand/antisense transcript 1; minus strand). Cytogenetic location: 11p15.5.
Variant type: single nucleotide variant.
Coding change: c.1394-515G>A on transcript NM_000218.3 (MANE Select); 515 bases into the intron before coding-DNA position 1394, G replaced by A.
Molecular consequence: intron variant. On other transcripts: non-coding transcript variant (1).
Genome position (GRCh38, 1-based): chr11:2,661,446, G>A. VCF-style: chr11-2661446-G-A. GRCh37 (hg19) VCF-style: chr11-2682676-G-A.
Other names: c.1124-515G>A (NM_001406837.1); c.1298-515G>A (NM_001406836.1); c.854-515G>A (NM_001406838.1); c.1013-515G>A (NM_181798.2).
Identifiers: ClinVar variation 3057119 (VCV003057119.2), dbSNP rs231364, ClinGen allele CA216170212.
Genomic context (GRCh38, chr11:2,661,446, plus strand): 5'-CCAGCTGTTGGAGGGACTCCTGTGCCTCATTGGGGGTACAACTGGTTGATGTAGCATCGT[G>A]TTTTGAGGAAGGAGTTCTGTGGCTGCCCCCACCTCCCAGGCTTGCCATTCCTCATGGGTC-3'